The following is an entry in ClinVar:

ClinVar aggregate classification (germline): Uncertain significance (1 of 4 stars; one submission).

Conditions:
STING-associated vasculopathy with onset in infancy. Also called: Sting-associated vasculopathy, infantile-onset. Identifiers: Orphanet 425120, MedGen C4014722, MONDO:0014405, OMIM 615934.

Submission:

Labcorp Genetics (formerly Invitae), Labcorp
Classification: Uncertain significance for STING-associated vasculopathy with onset in infancy. Last evaluated: 2023-01-31. Review status: criteria provided, single submitter. Criteria: Invitae Variant Classification Sherloc (09022015). Collection method: clinical testing. Allele origin: germline.
Comment: This sequence change replaces glutamic acid, which is acidic and polar, with alanine, which is neutral and non-polar, at codon 143 of the TMEM173 protein (p.Glu143Ala). In summary, the available evidence is currently insufficient to determine the role of this variant in disease. Therefore, it has been classified as a Variant of Uncertain Significance. Advanced modeling of protein sequence and biophysical properties (such as structural, functional, and spatial information, amino acid conservation, physicochemical variation, residue mobility, and thermodynamic stability) performed at Invitae indicates that this missense variant is expected to disrupt TMEM173 protein function. This variant has not been reported in the literature in individuals affected with TMEM173-related conditions. This variant is not present in population databases (gnomAD no frequency).

NM_198282.4(STING1):c.428A>C (p.Glu143Ala)

Gene: STING1 (stimulator of interferon response cGAMP interactor 1; minus strand). Cytogenetic location: 5q31.2.
Variant type: single nucleotide variant.
Coding change: c.428A>C on transcript NM_198282.4 (MANE Select); coding-DNA position 428, A replaced by C.
Protein change: p.Glu143Ala; replaces glutamic acid 143 with alanine.
Molecular consequence: missense variant.
Genome position (GRCh38, 1-based): chr5:139,480,882, T>G on the plus strand (A>C on the coding strand, the complement: STING1 is on the minus strand). VCF-style: chr5-139480882-T-G. GRCh37 (hg19) VCF-style: chr5-138860467-T-G.
Other names: c.428A>C, p.Glu143Ala (NM_001301738.2); c.71A>C, p.Glu24Ala (NM_001367258.1); short protein forms E143A, E24A.
Identifiers: ClinVar variation 2819028 (VCV002819028.3), dbSNP rs2547065441, ClinGen allele CA361481112.
Genomic context (GRCh38, chr5:139,480,882, plus strand): 5'-TATGACCATGCCAGCCCATGGGCCACGTTGAAATTCCCTTTTTCACACACTGCAGAGATC[T>G]CAGCTGGGGCCAGGCCCTGTGGACAGCAGGATGTGGCTGGGGGGCCTCCATCAAGGACAC-3'
Protein context (NP_938023.1, residues 133-153): LLGLKGLAPA[Glu143Ala]ISAVCEKGNF